The following is an entry in ClinVar:

ClinVar aggregate classification (germline): Uncertain significance (1 of 4 stars; one submission).

Allele frequency attached by ClinVar (database versions not stated): gnomAD exomes below 0.00001.
gnomAD v4.1: 2 of 1,613,898 alleles (0.00012%); highest among the groups gnomAD compares: Non-Finnish European, 0.00017%; no homozygotes.

Submission:

Labcorp Genetics (formerly Invitae), Labcorp
Classification: Uncertain significance. Last evaluated: 2025-10-21. Review status: criteria provided, single submitter. Criteria: Invitae Variant Classification Sherloc (09022015). Collection method: clinical testing. Allele origin: germline.
Comment: This sequence change replaces arginine, which is basic and polar, with glutamine, which is neutral and polar, at codon 1642 of the CACNA1D protein (p.Arg1642Gln). This variant is not present in population databases (gnomAD no frequency). This variant has not been reported in the literature in individuals affected with CACNA1D-related conditions. ClinVar contains an entry for this variant (Variation ID: 1518976). Invitae Evidence Modeling of protein sequence and biophysical properties (such as structural, functional, and spatial information, amino acid conservation, physicochemical variation, residue mobility, and thermodynamic stability) indicates that this missense variant is not expected to disrupt CACNA1D protein function with a negative predictive value of 80%. In summary, the available evidence is currently insufficient to determine the role of this variant in disease. Therefore, it has been classified as a Variant of Uncertain Significance.

NM_001128840.3(CACNA1D):c.4865G>A (p.Arg1622Gln)

Gene: CACNA1D (calcium voltage-gated channel subunit alpha1 D; plus strand). Cytogenetic location: 3p21.1.
Variant type: single nucleotide variant.
Coding change: c.4865G>A on transcript NM_001128840.3 (MANE Select); coding-DNA position 4865, G replaced by A.
Protein change: p.Arg1622Gln; replaces arginine 1622 with glutamine.
Molecular consequence: missense variant.
Genome position (GRCh38, 1-based): chr3:53,786,894, G>A. VCF-style: chr3-53786894-G-A. GRCh37 (hg19) VCF-style: chr3-53820921-G-A.
Other names: c.4925G>A, p.Arg1642Gln (NM_000720.4); c.4820G>A, p.Arg1607Gln (NM_001128839.3); short protein forms R1607Q, R1622Q, R1642Q.
Identifiers: ClinVar variation 1518976 (VCV001518976.6), dbSNP rs2109109812, ClinGen allele CA353247289.